The following is an entry in ClinVar:

NM_033380.3(COL4A5):c.3196G>A (p.Gly1066Ser)

Gene: COL4A5 (collagen type IV alpha 5 chain; plus strand). Cytogenetic location: Xq22.3.
Variant type: single nucleotide variant.
Coding change: c.3196G>A on transcript NM_033380.3 (MANE Select); coding-DNA position 3196, G replaced by A.
Protein change: p.Gly1066Ser; replaces glycine 1066 with serine.
Molecular consequence: missense variant.
Genome position (GRCh38, 1-based): chrX:108,626,299, G>A. VCF-style: chrX-108626299-G-A. GRCh37 (hg19) VCF-style: chrX-107869529-G-A.
Other names: c.3196G>A, p.Gly1066Ser (NM_000495.5); c.3196G>A (NM_033380.2); short protein forms G1066S.
Identifiers: ClinVar variation 24603 (VCV000024603.10), dbSNP rs104886219, ClinGen allele CA258827.
Genomic context (GRCh38, chrX:108,626,299, plus strand): 5'-CCTTCTGGAGTTCCTGGACAACCTGGCTCCCCAGGATTACCTGGACAGAAAGGCGACAAA[G>A]GTGATCCTGGTATTTCAAGCATTGGTCTTCCAGGTCTTCCTGGTCCAAAGGTAATCTTTG-3'
Protein context (NP_203699.1, residues 1056-1076): PGLPGQKGDK[Gly1066Ser]DPGISSIGLP

ClinVar aggregate classification (germline): Pathogenic. Review status: criteria provided, multiple submitters, no conflicts (2 of 4 stars). 4 submissions from 4 submitters: Pathogenic (3). 1 of the submissions does not count toward it. Last evaluated 2024-10-10.

Conditions:
X-linked Alport syndrome (ATS1). Also called: COL4A5-Related Nephropathy; NEPHROPATHY AND DEAFNESS, X-LINKED. Identifiers: Orphanet 63, Orphanet 88917, MedGen C4746986, MONDO:0010520, OMIM 301050.

Submissions (4):

Victorian Clinical Genetics Services, Murdoch Childrens Research Institute
Classification: Pathogenic for X-linked Alport syndrome. Last evaluated: 2024-10-10. Review status: criteria provided, single submitter. Criteria: ACMG Guidelines, 2015. Collection method: clinical testing. Allele origin: germline. Inheritance: X-linked dominant inheritance. Affected: yes.
Comment: Based on the classification scheme VCGS_Germline_v1.3.5, this variant is classified as Pathogenic. Following criteria are met: 0103 - Dominant negative and loss of function are known mechanisms of disease in this gene and are associated with X-linked Alport syndrome 1 (MIM#301050). Dominant negative is caused mostly by glycine substitutions that affect the conformation of the protein, and loss of function can be caused by either protein truncating or missense variants (PMID: 24046192, 12028435). (I) 0110 - This gene is associated with X-linked dominant disease. Males are typically more severely affected than females (PMID: 19965530). (I) 0115 - Variants in this gene are known to have variable expressivity. There is intrafamilial variability among affected carrier females, possibly due to variable X-inactivation (PMID: 14514738). (I) 0200 - Variant is predicted to result in a missense amino acid change from glycine to serine. (I) 0251 - This variant is heterozygous. (I) 0301 - Variant is absent from gnomAD (v2, v3 and v4). (SP) 0501 - Missense variant consistently predicted to be damaging by multiple in silico tools or highly conserved with a major amino acid change. (SP) 0601 - Variant is located in the well-established triple helical G-X-Y repeat region and affects a glycine residue (DECIPHER). (SP) 0701 - Other missense variants comparable to the one identified in this case have very strong previous evidence for pathogenicity. p.(Gly1066Ala) and p.(Gly1066Arg) have been observed in multiple affected individuals (PMIDs: 8940267, 11223851, 35368817; LOVD). In addition, p.(Gly1066Val) and p.(Gly1066Asp) have been reported as pathogenic and likely pathogenic by clinical laboratories (ClinVar). (SP) 0801 - This variant has strong previous evidence of pathogenicity in unrelated individuals. It has been observed in multiple affected individuals (PMIDs: 9848783, 36100708, 34901190; LOVD). In addition, it has been reported as pathogenic by multiple clinical laboratories (ClinVar). (SP) 1208 - Inheritance information for this variant is not currently available in this individual. (I) Legend: (SP) - Supporting pathogenic, (I) - Information, (SB) - Supporting benign

Labcorp Genetics (formerly Invitae), Labcorp
Classification: Pathogenic. Last evaluated: 2021-12-08. Review status: criteria provided, single submitter. Criteria: Invitae Variant Classification Sherloc (09022015). Collection method: clinical testing. Allele origin: germline.
Comment: For these reasons, this variant has been classified as Pathogenic. This variant disrupts the p.Gly1066 amino acid residue in COL4A5. Other variant(s) that disrupt this residue have been observed in individuals with COL4A5-related conditions (PMID: 8940267, 11223851), which suggests that this may be a clinically significant amino acid residue. This variant disrupts the triple helix domain of COL4A5. Glycine residues within the Gly-Xaa-Yaa repeats of the triple helix domain are required for the structure and stability of fibrillar collagens (PMID: 7695699, 8218237, 19344236). In COL4A5, missense variants at these glycine residues are significantly enriched in individuals with disease (PMID: 23720012, 27627812) compared to the general population (ExAC). Advanced modeling of protein sequence and biophysical properties (such as structural, functional, and spatial information, amino acid conservation, physicochemical variation, residue mobility, and thermodynamic stability) performed at Invitae indicates that this missense variant is expected to disrupt COL4A5 protein function. ClinVar contains an entry for this variant (Variation ID: 24603). This variant is also known as c.3398G>A. This missense change has been observed in individuals with clinical features of autosomal dominant Alport syndrome (PMID: 9848783, 34400539; Invitae). This variant is not present in population databases (gnomAD no frequency). This sequence change replaces glycine, which is neutral and non-polar, with serine, which is neutral and polar, at codon 1066 of the COL4A5 protein (p.Gly1066Ser).

Athena Diagnostics
Classification: Pathogenic. Last evaluated: 2018-06-26. Review status: criteria provided, single submitter. Criteria: Athena Diagnostics Criteria. Collection method: clinical testing. Allele origin: germline.

Bioscientia Institut fuer Medizinische Diagnostik GmbH, Sonic Healthcare
Classification: Pathogenic for X-linked Alport syndrome. Last evaluated: 2019-05-22. Review status: no assertion criteria provided. Collection method: clinical testing. Allele origin: germline. Affected: yes. Not counted in ClinVar's aggregate classification.

Literature cited by the submitters: PubMed 8940267 (cited by Victorian Clinical Genetics Services, Murdoch Childrens Research Institute and Labcorp Genetics (formerly Invitae), Labcorp); PubMed 9848783 (cited by 3 submitters); PubMed 11223851 (cited by Victorian Clinical Genetics Services, Murdoch Childrens Research Institute and Labcorp Genetics (formerly Invitae), Labcorp); PubMed 12028435 (cited by Victorian Clinical Genetics Services, Murdoch Childrens Research Institute); PubMed 14514738 (cited by Victorian Clinical Genetics Services, Murdoch Childrens Research Institute); PubMed 19965530 (cited by Victorian Clinical Genetics Services, Murdoch Childrens Research Institute); PubMed 24046192 (cited by Victorian Clinical Genetics Services, Murdoch Childrens Research Institute); PubMed 34901190 (cited by Victorian Clinical Genetics Services, Murdoch Childrens Research Institute); PubMed 35368817 (cited by Victorian Clinical Genetics Services, Murdoch Childrens Research Institute); PubMed 36100708 (cited by Victorian Clinical Genetics Services, Murdoch Childrens Research Institute); PubMed 7695699 (cited by Labcorp Genetics (formerly Invitae), Labcorp); PubMed 8218237 (cited by Labcorp Genetics (formerly Invitae), Labcorp); PubMed 19344236 (cited by Labcorp Genetics (formerly Invitae), Labcorp); PubMed 23720012 (cited by Labcorp Genetics (formerly Invitae), Labcorp); PubMed 27627812 (cited by Labcorp Genetics (formerly Invitae), Labcorp); PubMed 34400539 (cited by Labcorp Genetics (formerly Invitae), Labcorp).